The following is an entry in ClinVar:

ClinVar aggregate classification (germline): Pathogenic/Likely pathogenic. Review status: criteria provided, multiple submitters, no conflicts (2 of 4 stars). 4 submissions from 4 submitters: Pathogenic (1); Likely pathogenic (3). Last evaluated 2024-06-06.

Conditions:
Meckel syndrome, type 1 (MKS1). Also called: MECKEL-GRUBER SYNDROME, TYPE 1. Identifiers: Orphanet 564, MedGen C3714506, MONDO:0009571, OMIM 249000.
Bardet-Biedl syndrome 13 (BBS13). Identifiers: Orphanet 110, MedGen C2673873, MONDO:0014441, OMIM 615990.
Joubert syndrome 28 (JBTS28). Identifiers: MedGen C4310705, MONDO:0014928, OMIM 617121.
Joubert syndrome. Also called: Familial aplasia of the vermis; CEREBELLOPARENCHYMAL DISORDER IV; JOUBERT-BOLTSHAUSER SYNDROME. Identifiers: Orphanet 475, MedGen C5979921, MONDO:0018772.
Meckel-Gruber syndrome. Also called: Dysencephalia splachnocystica; DYSENCEPHALIA SPLANCHNOCYSTICA; GRUBER SYNDROME. Identifiers: Orphanet 564, MedGen C0265215, MONDO:0018921.

Allele frequency attached by ClinVar (database versions not stated): gnomAD exomes 0.00001; ExAC 0.00002.
gnomAD v4.1: 3 of 1,614,176 alleles (0.00019%); highest among the groups gnomAD compares: East Asian, 0.0022%; no homozygotes.

Submissions (4):

Fulgent Genetics
Classification: Likely pathogenic for Meckel syndrome, type 1; Bardet-Biedl syndrome 13; Joubert syndrome 28. Last evaluated: 2024-06-06. Review status: criteria provided, single submitter. Criteria: ACMG Guidelines, 2015. Collection method: clinical testing. Allele origin: germline.

Baylor Genetics
Classification: Likely pathogenic for Bardet-Biedl syndrome 13. Last evaluated: 2023-08-26. Review status: criteria provided, single submitter. Criteria: ACMG Guidelines, 2015. Collection method: clinical testing. Allele origin: unknown.

Labcorp Genetics (formerly Invitae), Labcorp
Classification: Pathogenic for Joubert syndrome; Meckel-Gruber syndrome. Last evaluated: 2023-01-01. Review status: criteria provided, single submitter. Criteria: Invitae Variant Classification Sherloc (09022015). Collection method: clinical testing. Allele origin: germline.
Comment: For these reasons, this variant has been classified as Pathogenic. ClinVar contains an entry for this variant (Variation ID: 1073914). This sequence change creates a premature translational stop signal (p.Ser344*) in the MKS1 gene. It is expected to result in an absent or disrupted protein product. Loss-of-function variants in MKS1 are known to be pathogenic (PMID: 19466712, 24886560, 26490104). This variant is present in population databases (rs760971749, gnomAD 0.006%). This variant has not been reported in the literature in individuals affected with MKS1-related conditions.

Revvity Omics, Revvity
Classification: Likely pathogenic. Last evaluated: 2022-01-04. Review status: criteria provided, single submitter. Criteria: ACMG Guidelines, 2015. Collection method: clinical testing. Allele origin: germline.

Literature cited by the submitters: PubMed 19466712 (cited by Labcorp Genetics (formerly Invitae), Labcorp); PubMed 24886560 (cited by Labcorp Genetics (formerly Invitae), Labcorp); PubMed 26490104 (cited by Labcorp Genetics (formerly Invitae), Labcorp).

NM_017777.4(MKS1):c.1031C>G (p.Ser344Ter)

Gene: MKS1 (MKS transition zone complex subunit 1; minus strand). Cytogenetic location: 17q22.
Variant type: single nucleotide variant.
Coding change: c.1031C>G on transcript NM_017777.4 (MANE Select); coding-DNA position 1031, C replaced by G.
Protein change: p.Ser344Ter; replaces serine 344 with a stop codon.
Molecular consequence: nonsense.
Genome position (GRCh38, 1-based): chr17:58,208,577, G>C on the plus strand (C>G on the coding strand, the complement: MKS1 is on the minus strand). VCF-style: chr17-58208577-G-C. GRCh37 (hg19) VCF-style: chr17-56285938-G-C.
Other names: c.422C>G, p.Ser141Ter (NM_001321268.2); c.1031C>G, p.Ser344Ter (NM_001321269.2, NM_001330397.2); short protein forms S141*, S344*.
Identifiers: ClinVar variation 1073914 (VCV001073914.12), dbSNP rs760971749, ClinGen allele CA8669299.